The following is an entry in ClinVar:

ClinVar aggregate classification (germline): Uncertain significance (1 of 4 stars; one submission).

Conditions:
Charcot-Marie-Tooth disease type 2R. Also called: CHARCOT-MARIE-TOOTH DISEASE, AXONAL, AUTOSOMAL RECESSIVE, TYPE 2R; CHARCOT-MARIE-TOOTH NEUROPATHY, TYPE 2R; Charcot-Marie-Tooth disease, axonal, type 2R. Identifiers: Orphanet 397968, MedGen C3809655, MONDO:0014208, OMIM 615490.

Allele frequency attached by ClinVar (database versions not stated): gnomAD exomes below 0.00001.
gnomAD v4.1: 1 of 1,614,078 alleles (0.000062%); highest among the groups gnomAD compares: Non-Finnish European, 0.000085%; no homozygotes.

Submission:

Labcorp Genetics (formerly Invitae), Labcorp
Classification: Uncertain significance for Charcot-Marie-Tooth disease type 2R. Last evaluated: 2022-11-15. Review status: criteria provided, single submitter. Criteria: Invitae Variant Classification Sherloc (09022015). Collection method: clinical testing. Allele origin: germline.
Comment: In summary, the available evidence is currently insufficient to determine the role of this variant in disease. Therefore, it has been classified as a Variant of Uncertain Significance. Algorithms developed to predict the effect of sequence changes on RNA splicing suggest that this variant may disrupt the consensus splice site. This sequence change creates a premature translational stop signal (p.Arg615*) in the TRIM2 gene. It is expected to result in an absent or disrupted protein product. However, the current clinical and genetic evidence is not sufficient to establish whether loss-of-function variants in TRIM2 cause disease. This variant is not present in population databases (gnomAD no frequency). This variant has not been reported in the literature in individuals affected with TRIM2-related conditions.

NM_015271.5(TRIM2):c.1924C>T (p.Arg642Ter)

Gene: TRIM2 (tripartite motif containing 2; plus strand). Cytogenetic location: 4q31.3.
Variant type: single nucleotide variant.
Coding change: c.1924C>T on transcript NM_015271.5 (MANE Select); coding-DNA position 1924, C replaced by T.
Protein change: p.Arg642Ter; replaces arginine 642 with a stop codon.
Molecular consequence: nonsense.
Genome position (GRCh38, 1-based): chr4:153,322,789, C>T. VCF-style: chr4-153322789-C-T. GRCh37 (hg19) VCF-style: chr4-154243941-C-T.
Other names: c.1897C>T, p.Arg633Ter (NM_001351054.2); c.1894C>T, p.Arg632Ter (NM_001351055.2); c.1843C>T, p.Arg615Ter (NM_001351056.2, NM_001375512.1, NM_001130067.2 and 5 more transcripts); c.1468C>T, p.Arg490Ter (NM_001351057.2); c.2017C>T, p.Arg673Ter (NM_001375488.1); c.2014C>T, p.Arg672Ter (NM_001375489.1); c.1867C>T, p.Arg623Ter (NM_001375490.1); c.1864C>T, p.Arg622Ter (NM_001375491.1); and 3 more; short protein forms R529*, R615*, R622*, R633*, R673*, R531*, R672*, R490*.
Identifiers: ClinVar variation 2814156 (VCV002814156.3), dbSNP rs2546663443, ClinGen allele CA358469579.
Genomic context (GRCh38, chr4:153,322,789, plus strand): 5'-AAGGCGTGCTGCGTGTTTATCTTCCAGCCAAACGGGAAAATAGTCACCAGGTTTGGTAGC[C>T]GAGGAAATGGGGACAGGCAGTTTGCAGGTACACTCGATGGTAATATGTAAACCCCCTTTT-3'